The following is an entry in ClinVar:

ClinVar aggregate classification (germline): Uncertain significance (1 of 4 stars; one submission).

Allele frequency attached by ClinVar (database versions not stated): gnomAD exomes below 0.00001.
gnomAD v4.1: 1 of 1,614,218 alleles (0.000062%); no homozygotes.

Submission:

Labcorp Genetics (formerly Invitae), Labcorp
Classification: Uncertain significance. Last evaluated: 2022-07-12. Review status: criteria provided, single submitter. Criteria: Invitae Variant Classification Sherloc (09022015). Collection method: clinical testing. Allele origin: germline.
Comment: In summary, the available evidence is currently insufficient to determine the role of this variant in disease. Therefore, it has been classified as a Variant of Uncertain Significance. Algorithms developed to predict the effect of sequence changes on RNA splicing suggest that this variant may disrupt the consensus splice site. Algorithms developed to predict the effect of missense changes on protein structure and function are either unavailable or do not agree on the potential impact of this missense change (SIFT: "Deleterious"; PolyPhen-2: "Probably Damaging"; Align-GVGD: "Class C15"). ClinVar contains an entry for this variant (Variation ID: 1463459). This variant has not been reported in the literature in individuals affected with LRP2-related conditions. This variant is present in population databases (no rsID available, gnomAD 0.004%). This sequence change replaces asparagine, which is neutral and polar, with aspartic acid, which is acidic and polar, at codon 3644 of the LRP2 protein (p.Asn3644Asp).

NM_004525.3(LRP2):c.10930A>G (p.Asn3644Asp)

Gene: LRP2 (LDL receptor related protein 2; minus strand). Cytogenetic location: 2q31.1.
Variant type: single nucleotide variant.
Coding change: c.10930A>G on transcript NM_004525.3 (MANE Select); coding-DNA position 10930, A replaced by G.
Protein change: p.Asn3644Asp; replaces asparagine 3644 with aspartic acid.
Molecular consequence: missense variant.
Genome position (GRCh38, 1-based): chr2:169,174,003, T>C on the plus strand (A>G on the coding strand, the complement: LRP2 is on the minus strand). VCF-style: chr2-169174003-T-C. GRCh37 (hg19) VCF-style: chr2-170030513-T-C.
Other names: short protein forms N3644D.
Identifiers: ClinVar variation 1463459 (VCV001463459.8), dbSNP rs1423898945, ClinGen allele CA349144638.